The following is an entry in ClinVar:

ClinVar aggregate classification (germline): Uncertain significance (1 of 4 stars; one submission).

Submission:

Labcorp Genetics (formerly Invitae), Labcorp
Classification: Uncertain significance. Last evaluated: 2022-11-15. Review status: criteria provided, single submitter. Criteria: Invitae Variant Classification Sherloc (09022015). Collection method: clinical testing. Allele origin: germline.
Comment: In summary, the available evidence is currently insufficient to determine the role of this variant in disease. Therefore, it has been classified as a Variant of Uncertain Significance. Algorithms developed to predict the effect of missense changes on protein structure and function (SIFT, PolyPhen-2, Align-GVGD) all suggest that this variant is likely to be tolerated. ClinVar contains an entry for this variant (Variation ID: 1471482). This variant has not been reported in the literature in individuals affected with ADGRA3-related conditions. This variant is not present in population databases (gnomAD no frequency). This sequence change replaces alanine, which is neutral and non-polar, with threonine, which is neutral and polar, at codon 1056 of the ADGRA3 protein (p.Ala1056Thr).

NM_145290.4(ADGRA3):c.3166G>A (p.Ala1056Thr)

Gene: ADGRA3 (adhesion G protein-coupled receptor A3; minus strand). Cytogenetic location: 4p15.2.
Variant type: single nucleotide variant.
Coding change: c.3166G>A on transcript NM_145290.4 (MANE Select); coding-DNA position 3166, G replaced by A.
Protein change: p.Ala1056Thr; replaces alanine 1056 with threonine.
Molecular consequence: missense variant.
Genome position (GRCh38, 1-based): chr4:22,388,505, C>T on the plus strand (G>A on the coding strand, the complement: ADGRA3 is on the minus strand). VCF-style: chr4-22388505-C-T. GRCh37 (hg19) VCF-style: chr4-22390128-C-T.
Other names: short protein forms A1056T.
Identifiers: ClinVar variation 1471482 (VCV001471482.6), dbSNP rs909558515, ClinGen allele CA356473514.